The following is an entry in ClinVar:

ClinVar aggregate classification (germline): Uncertain significance (1 of 4 stars; one submission).

Allele frequency attached by ClinVar (database versions not stated): ExAC 0.00001; gnomAD 0.00001; TOPMed 0.00001.
gnomAD v4.1: 5 of 1,614,028 alleles (0.00031%); highest among the groups gnomAD compares: Admixed American, 0.0083%; no homozygotes.

Submission:

Labcorp Genetics (formerly Invitae), Labcorp
Classification: Uncertain significance. Last evaluated: 2022-05-20. Review status: criteria provided, single submitter. Criteria: Invitae Variant Classification Sherloc (09022015). Collection method: clinical testing. Allele origin: germline.
Comment: This sequence change replaces serine, which is neutral and polar, with arginine, which is basic and polar, at codon 612 of the HPS4 protein (p.Ser612Arg). This variant is present in population databases (rs758138934, gnomAD 0.01%). This variant has not been reported in the literature in individuals affected with HPS4-related conditions. Algorithms developed to predict the effect of missense changes on protein structure and function (SIFT, PolyPhen-2, Align-GVGD) all suggest that this variant is likely to be tolerated. In summary, the available evidence is currently insufficient to determine the role of this variant in disease. Therefore, it has been classified as a Variant of Uncertain Significance.

NM_022081.6(HPS4):c.1836C>G (p.Ser612Arg)

Gene: HPS4 (HPS4 biogenesis of lysosomal organelles complex 3 subunit 2; minus strand). Cytogenetic location: 22q12.1.
Variant type: single nucleotide variant.
Coding change: c.1836C>G on transcript NM_022081.6 (MANE Select); coding-DNA position 1836, C replaced by G.
Protein change: p.Ser612Arg; replaces serine 612 with arginine.
Molecular consequence: missense variant. On other transcripts: non-coding transcript variant (8), intron variant (2).
Genome position (GRCh38, 1-based): chr22:26,458,455, G>C on the plus strand (C>G on the coding strand, the complement: HPS4 is on the minus strand). VCF-style: chr22-26458455-G-C. GRCh37 (hg19) VCF-style: chr22-26854421-G-C.
Other names: c.1836C>G, p.Ser612Arg (NM_001349896.1, NM_001349898.2, NM_001349899.2 and 3 more transcripts); c.1890C>G, p.Ser630Arg (NM_001349900.2, NM_001349901.1); c.1821C>G, p.Ser607Arg (NM_152841.2); c.1714-5051C>G (NM_001349902.1, NM_001349903.2); short protein forms S630R, S612R, S607R.
Identifiers: ClinVar variation 2142337 (VCV002142337.1), dbSNP rs758138934, ClinGen allele CA10163204.